The following is an entry in ClinVar:

ClinVar aggregate classification (germline): Uncertain significance (1 of 4 stars; one submission).

gnomAD v4.1: 5 of 1,613,682 alleles (0.00031%); highest among the groups gnomAD compares: South Asian, 0.0022%; no homozygotes.

Submission:

OLLIN Analises Genomicas, OLLIN
Classification: Uncertain significance. Last evaluated: 2026-08-06. Review status: criteria provided, single submitter. Criteria: ACMG Guidelines 2015 PMID 25741868. Collection method: clinical testing. Allele origin: germline.
Comment: This missense variant, located in exon 16 (of 18), has been observed in gnomAD with an allele frequency of 0.00031%, but has not been reported in ClinVar or identified in the literature. In silico analysis predicts that this variant has a deleterious effect. According to the currently available evidence, this variant has been classified as uncertain significance (PM2_P, PP3_M).

NM_001387690.1(KATNAL2):c.1237C>T (p.Arg413Cys)

Gene: KATNAL2 (katanin catalytic subunit A1 like 2; plus strand). Cytogenetic location: 18q21.1.
Variant type: single nucleotide variant.
Coding change: c.1237C>T on transcript NM_001387690.1 (MANE Select); coding-DNA position 1237, C replaced by T.
Protein change: p.Arg413Cys; replaces arginine 413 with cysteine.
Molecular consequence: missense variant. On other transcripts: non-coding transcript variant (1).
Genome position (GRCh38, 1-based): chr18:47,099,268, C>T. VCF-style: chr18-47099268-C-T. GRCh37 (hg19) VCF-style: chr18-44625639-C-T.
Other names: c.1315C>T, p.Arg439Cys (NM_001353899.1); c.1312C>T, p.Arg438Cys (NM_001353900.1); c.904C>T, p.Arg302Cys (NM_001353903.1); c.805C>T, p.Arg269Cys (NM_001353904.1); c.1237C>T, p.Arg413Cys (NM_001367621.1); c.1021C>T, p.Arg341Cys (NM_031303.3); short protein forms R438C, R269C, R439C, R302C, R341C, R413C.
Identifiers: ClinVar variation 5002698 (VCV005002698.1).